The following is an entry in ClinVar:

NM_201596.3(CACNB2):c.1754A>T (p.His585Leu)

Gene: CACNB2 (calcium voltage-gated channel auxiliary subunit beta 2; plus strand). Cytogenetic location: 10p12.31.
Variant type: single nucleotide variant.
Coding change: c.1754A>T on transcript NM_201596.3 (MANE Select); coding-DNA position 1754, A replaced by T.
Protein change: p.His585Leu; replaces histidine 585 with leucine.
Molecular consequence: missense variant.
Genome position (GRCh38, 1-based): chr10:18,539,495, A>T. VCF-style: chr10-18539495-A-T. GRCh37 (hg19) VCF-style: chr10-18828424-A-T.
Other names: c.1589A>T, p.His530Leu (NM_000724.4); c.1556A>T, p.His519Leu (NM_001167945.2); c.1475A>T, p.His492Leu (NM_001330060.2); c.1610A>T, p.His537Leu (NM_201570.3); c.1670A>T, p.His557Leu (NM_201571.4); c.1598A>T, p.His533Leu (NM_201572.4); c.1592A>T, p.His531Leu (NM_201590.3); c.1640A>T, p.His547Leu (NM_201593.3); and 2 more; short protein forms H547L, H492L, H585L, H519L, H530L, H531L, H533L, H537L.
Identifiers: ClinVar variation 1390567 (VCV001390567.7), dbSNP rs1412805204, ClinGen allele CA376072037.

ClinVar aggregate classification (germline): Uncertain significance. Review status: criteria provided, multiple submitters, no conflicts (2 of 4 stars). 2 submissions from 2 submitters: Uncertain significance (2). Last evaluated 2025-08-28.

Conditions:
Brugada syndrome 4 (BRGDA4). Identifiers: Orphanet 130, MedGen C2678477, MONDO:0012743, OMIM 611876.
Cardiovascular phenotype. Identifiers: MedGen CN230736.

Allele frequency attached by ClinVar (database versions not stated): gnomAD 0.00001; TOPMed 0.00001.
gnomAD v4.1: 2 of 1,613,874 alleles (0.00012%); highest among the groups gnomAD compares: African/African-American, 0.0027%; no homozygotes.

Submissions (2):

Ambry Genetics
Classification: Uncertain significance for Cardiovascular phenotype. Last evaluated: 2025-08-28. Review status: criteria provided, single submitter. Criteria: Ambry Variant Classification Scheme 2023. Collection method: clinical testing. Allele origin: germline.
Comment: The p.H531L variant (also known as c.1592A>T), located in coding exon 13 of the CACNB2 gene, results from an A to T substitution at nucleotide position 1592. The histidine at codon 531 is replaced by leucine, an amino acid with similar properties. This amino acid position is conserved. In addition, the in silico prediction for this alteration is inconclusive. Based on the available evidence, the clinical significance of this variant remains unclear.

Labcorp Genetics (formerly Invitae), Labcorp
Classification: Uncertain significance for Brugada syndrome 4. Last evaluated: 2025-08-17. Review status: criteria provided, single submitter. Criteria: Invitae Variant Classification Sherloc (09022015). Collection method: clinical testing. Allele origin: germline.
Comment: This sequence change replaces histidine, which is basic and polar, with leucine, which is neutral and non-polar, at codon 531 of the CACNB2 protein (p.His531Leu). This variant is not present in population databases (gnomAD no frequency). This variant has not been reported in the literature in individuals affected with CACNB2-related conditions. ClinVar contains an entry for this variant (Variation ID: 1390567). Invitae Evidence Modeling of protein sequence and biophysical properties (such as structural, functional, and spatial information, amino acid conservation, physicochemical variation, residue mobility, and thermodynamic stability) indicates that this missense variant is not expected to disrupt CACNB2 protein function with a negative predictive value of 80%. In summary, the available evidence is currently insufficient to determine the role of this variant in disease. Therefore, it has been classified as a Variant of Uncertain Significance.